The following is an entry in ClinVar:

NM_019892.6(INPP5E):c.-35C>T

Gene: INPP5E (inositol polyphosphate-5-phosphatase E; minus strand). Cytogenetic location: 9q34.3.
Variant type: single nucleotide variant.
Coding change: c.-35C>T on transcript NM_019892.6 (MANE Select); 35 bases upstream of the start codon, C replaced by T.
Molecular consequence: 5 prime UTR variant.
Genome position (GRCh38, 1-based): chr9:136,439,454, G>A on the plus strand (C>T on the coding strand, the complement: INPP5E is on the minus strand). VCF-style: chr9-136439454-G-A. GRCh37 (hg19) VCF-style: chr9-139333906-G-A.
Other names: c.-35C>T (NM_001318502.2).
Identifiers: ClinVar variation 3358829 (VCV003358829.1).

ClinVar aggregate classification (germline): Likely benign (0 of 4 stars; one submission).

Conditions:
INPP5E-related disorder. Also called: INPP5E-related condition.

gnomAD v4.1: 7 of 1,411,336 alleles (0.0005%); highest among the groups gnomAD compares: African/African-American, 0.009%; no homozygotes.

Submission:

PreventionGenetics, part of Exact Sciences
Classification: Likely benign for INPP5E-related condition. Last evaluated: 2022-04-11. Review status: no assertion criteria provided. Collection method: clinical testing. Allele origin: germline.
Comment: This variant is classified as likely benign based on ACMG/AMP sequence variant interpretation guidelines (Richards et al. 2015 PMID: 25741868, with internal and published modifications).